The following is an entry in ClinVar:

ClinVar aggregate classification (germline): Uncertain significance. Review status: criteria provided, multiple submitters, no conflicts (2 of 4 stars). 3 submissions from 3 submitters: Uncertain significance (3). Last evaluated 2026-08-06.

Conditions:
Primary immunodeficiency with natural-killer cell deficiency and adrenal insufficiency (IMD54). Also called: Natural killer cell and glucocorticoid deficiency with DNA repair defect; IMMUNODEFICIENCY 54. Identifiers: Orphanet 75391, MedGen C1864947, MONDO:0012383, OMIM 609981.

Allele frequency attached by ClinVar (database versions not stated): ExAC 0.00004; gnomAD exomes 0.00004; TOPMed 0.00005; ESP Exome Variant Server 0.00015; gnomAD 0.00007.
gnomAD v4.1: 69 of 1,608,282 alleles (0.0043%); highest among the groups gnomAD compares: Non-Finnish European, 0.0055%; no homozygotes.

Submissions (4):

OLLIN Analises Genomicas, OLLIN
Classification: Uncertain significance for Primary immunodeficiency with natural-killer cell deficiency and adrenal insufficiency. Last evaluated: 2026-08-06. Review status: criteria provided, single submitter. Criteria: ACMG Guidelines 2015 PMID 25741868. Collection method: clinical testing. Allele origin: germline. Inheritance: Autosomal recessive inheritance.
Comment: This missense variant, located in exon 12 (of 17), has been reported in ClinVar (accession VCV001448701.8) and in gnomAD with an allele frequency of 0.0043%. However, to our knowledge, it has not been reported in the scientific literature. In silico analysis predicts that this variant has a deleterious effect. According to the currently available evidence, this variant has been classified as uncertain significance (PM2_P, PP3).

Labcorp Genetics (formerly Invitae), Labcorp
Classification: Uncertain significance. Last evaluated: 2024-10-10. Review status: criteria provided, single submitter. Criteria: Invitae Variant Classification Sherloc (09022015). Collection method: clinical testing. Allele origin: germline.
Comment: This sequence change replaces histidine, which is basic and polar, with tyrosine, which is neutral and polar, at codon 588 of the MCM4 protein (p.His588Tyr). This variant is present in population databases (rs371734203, gnomAD 0.007%). This variant has not been reported in the literature in individuals affected with MCM4-related conditions. ClinVar contains an entry for this variant (Variation ID: 1448701). Invitae Evidence Modeling of protein sequence and biophysical properties (such as structural, functional, and spatial information, amino acid conservation, physicochemical variation, residue mobility, and thermodynamic stability) indicates that this missense variant is expected to disrupt MCM4 protein function with a positive predictive value of 80%. In summary, the available evidence is currently insufficient to determine the role of this variant in disease. Therefore, it has been classified as a Variant of Uncertain Significance.

Ambry Genetics
Classification: Uncertain significance. Last evaluated: 2023-12-04. Review status: criteria provided, single submitter. Criteria: Ambry Variant Classification Scheme 2023. Collection method: clinical testing. Allele origin: germline.

Dr. Peter K. Rogan Lab, Western University
No classification provided (evidence only). Condition: Clear cell carcinoma of kidney. Review status: no classification provided. Collection method: in vitro. Allele origin: not applicable. Functional consequence: retained intron. Not counted in ClinVar's aggregate classification.

NM_182746.3(MCM4):c.1762C>T (p.His588Tyr)

Gene: MCM4 (minichromosome maintenance complex component 4; plus strand). Cytogenetic location: 8q11.21.
Variant type: single nucleotide variant.
Coding change: c.1762C>T on transcript NM_182746.3 (MANE Select); coding-DNA position 1762, C replaced by T.
Protein change: p.His588Tyr; replaces histidine 588 with tyrosine.
Molecular consequence: missense variant.
Genome position (GRCh38, 1-based): chr8:47,970,838, C>T. VCF-style: chr8-47970838-C-T. GRCh37 (hg19) VCF-style: chr8-48883398-C-T.
Other names: c.1762C>T, p.His588Tyr (NM_005914.4); c.1762C>T (NM_005914.3); short protein forms H588Y.
Identifiers: ClinVar variation 1448701 (VCV001448701.9), dbSNP rs371734203, ClinGen allele CA4742692.
Genomic context (GRCh38, chr8:47,970,838, plus strand): 5'-AACGGCATCTGCTGTATCGATGAGTTCGACAAGATGAATGAAAGTACAAGATCGGTATTG[C>T]ATGAAGTCATGGAACAGCAGACTCTGTCCATTGCAAAGGTGAGTCGCCTTCTCCACCGTG-3'
Protein context (NP_877423.1, residues 578-598): KMNESTRSVL[His588Tyr]EVMEQQTLSI